The following is an entry in ClinVar:

ClinVar aggregate classification (germline): Likely pathogenic (0 of 4 stars; one submission).

Conditions:
CEP120-related disorder. Also called: CEP120-related condition; CEP120-Related Disorders.

Submission:

PreventionGenetics, part of Exact Sciences
Classification: Likely pathogenic for CEP120-related condition. Last evaluated: 2024-06-21. Review status: no assertion criteria provided. Collection method: clinical testing. Allele origin: germline.
Comment: The CEP120 c.541G>T variant is predicted to result in premature protein termination (p.Gly181*). To our knowledge, this variant has not been reported in the literature or in a large population database, indicating this variant is rare. Nonsense variants in CEP120 are expected to be pathogenic. This variant is interpreted as likely pathogenic.

NM_001375405.1(CEP120):c.541G>T (p.Gly181Ter)

Gene: CEP120 (centrosomal protein 120; minus strand). Cytogenetic location: 5q23.2.
Variant type: single nucleotide variant.
Coding change: c.541G>T on transcript NM_001375405.1 (MANE Select); coding-DNA position 541, G replaced by T.
Protein change: p.Gly181Ter; replaces glycine 181 with a stop codon.
Molecular consequence: nonsense. On other transcripts: 5 prime UTR variant (2), non-coding transcript variant (1).
Genome position (GRCh38, 1-based): chr5:123,399,207, C>A on the plus strand (G>T on the coding strand, the complement: CEP120 is on the minus strand). VCF-style: chr5-123399207-C-A. GRCh37 (hg19) VCF-style: chr5-122734901-C-A.
Other names: c.463G>T, p.Gly155Ter (NM_001166226.2); c.541G>T, p.Gly181Ter (NM_001375406.1, NM_001375407.1, NM_153223.4); c.-33G>T (NM_001375408.1, NM_001375409.1); short protein forms G155*, G181*.
Identifiers: ClinVar variation 3345885 (VCV003345885.1).
Genomic context (GRCh38, chr5:123,399,207, plus strand): 5'-GGGTAGCAAATGCTATGGTCACTGACATAATAAAGGAGTCAGTACAGTATTCTGCTGGTC[C>A]AATCTGATGGTAGCCTCCCTCTTCATTCAGCACAGCCACAATGTCCCTGGGGTCAAGTCC-3'